The following is an entry in ClinVar:

ClinVar aggregate classification (germline): Uncertain significance. Review status: criteria provided, multiple submitters, no conflicts (2 of 4 stars). 3 submissions from 3 submitters: Uncertain significance (3). Last evaluated 2025-05-16.

Conditions:
Temtamy preaxial brachydactyly syndrome (TPBS). Identifiers: Orphanet 363417, MedGen C1854466, MONDO:0011533, OMIM 605282.
Inborn genetic diseases. Identifiers: MedGen C0950123, MeSH D030342.

Allele frequency attached by ClinVar (database versions not stated): ExAC 0.00003; gnomAD 0.00003; gnomAD exomes 0.00003 and 0.00005; TOPMed 0.00003.
gnomAD v4.1: 48 of 1,598,146 alleles (0.003%); highest among the groups gnomAD compares: Admixed American, 0.0051%; no homozygotes.

Submissions (3):

Ambry Genetics
Classification: Uncertain significance for Inborn genetic diseases. Last evaluated: 2025-05-16. Review status: criteria provided, single submitter. Criteria: Ambry Variant Classification Scheme 2023. Collection method: clinical testing. Allele origin: germline.

Labcorp Genetics (formerly Invitae), Labcorp
Classification: Uncertain significance for Temtamy preaxial brachydactyly syndrome. Last evaluated: 2024-12-02. Review status: criteria provided, single submitter. Criteria: Invitae Variant Classification Sherloc (09022015). Collection method: clinical testing. Allele origin: germline.
Comment: This sequence change replaces asparagine, which is neutral and polar, with aspartic acid, which is acidic and polar, at codon 85 of the CHSY1 protein (p.Asn85Asp). This variant is present in population databases (rs762384442, gnomAD 0.009%). This variant has not been reported in the literature in individuals affected with CHSY1-related conditions. ClinVar contains an entry for this variant (Variation ID: 1393761). Invitae Evidence Modeling of protein sequence and biophysical properties (such as structural, functional, and spatial information, amino acid conservation, physicochemical variation, residue mobility, and thermodynamic stability) indicates that this missense variant is not expected to disrupt CHSY1 protein function with a negative predictive value of 80%. In summary, the available evidence is currently insufficient to determine the role of this variant in disease. Therefore, it has been classified as a Variant of Uncertain Significance.

CeGaT Center for Human Genetics Tuebingen
Classification: Uncertain significance. Last evaluated: 2023-03-01. Review status: criteria provided, single submitter. Criteria: CeGaT Center For Human Genetics Tuebingen Variant Classification Criteria Version 2. Collection method: clinical testing. Allele origin: germline. Affected: yes. Observed: 1 variant allele.
Comment: CHSY1: PM2

NM_014918.5(CHSY1):c.253A>G (p.Asn85Asp)

Genes: CHSY1 (chondroitin sulfate synthase 1; minus strand), LOC130058068 (ATAC-STARR-seq lymphoblastoid silent region 6885; plus strand). Cytogenetic location: 15q26.3.
Variant type: single nucleotide variant.
Coding change: c.253A>G on transcript NM_014918.5 (MANE Select); coding-DNA position 253, A replaced by G.
Protein change: p.Asn85Asp; replaces asparagine 85 with aspartic acid.
Molecular consequence: missense variant.
Genome position (GRCh38, 1-based): chr15:101,251,204, T>C on the plus strand (A>G on the coding strand, the complement: CHSY1 is on the minus strand). VCF-style: chr15-101251204-T-C. GRCh37 (hg19) VCF-style: chr15-101791409-T-C.
Other names: c.253A>G (NM_014918.4); short protein forms N85D.
Identifiers: ClinVar variation 1393761 (VCV001393761.35), dbSNP rs762384442, ClinGen allele CA7762791.
Genomic context (GRCh38, chr15:101,251,204, plus strand): 5'-CGGCCACGGCCCGAGTCTGCAGGTATTTCTGGGCGGTCATGACTCCCACGAAGAGAAAGT[T>C]CCTGTCGCGCGGGCCGCCATCTGGGTCCGAGCCGGGCGGCCAGAGCTGCGCCCCGCGCGC-3'
Protein context (NP_055733.2, residues 75-95): SDPDGGPRDR[Asn85Asp]FLFVGVMTAQ